The following is an entry in ClinVar:

NM_001127222.2(CACNA1A):c.3625C>T (p.Arg1209Cys)

Gene: CACNA1A (calcium voltage-gated channel subunit alpha1 A; minus strand). Cytogenetic location: 19p13.13.
Variant type: single nucleotide variant.
Coding change: c.3625C>T on transcript NM_001127222.2 (MANE Select); coding-DNA position 3625, C replaced by T.
Protein change: p.Arg1209Cys; replaces arginine 1209 with cysteine.
Molecular consequence: missense variant.
Genome position (GRCh38, 1-based): chr19:13,285,135, G>A on the plus strand (C>T on the coding strand, the complement: CACNA1A is on the minus strand). VCF-style: chr19-13285135-G-A. GRCh37 (hg19) VCF-style: chr19-13395949-G-A.
Other names: c.3637C>T, p.Arg1213Cys (NM_000068.4, NM_023035.3); c.3628C>T, p.Arg1210Cys (NM_001127221.2, NM_001174080.2); short protein forms R1209C, R1210C, R1213C.
Identifiers: ClinVar variation 1306516 (VCV001306516.13), dbSNP rs781026181, ClinGen allele CA404340964.

ClinVar aggregate classification (germline): Uncertain significance. Review status: criteria provided, multiple submitters, no conflicts (2 of 4 stars). 3 submissions from 3 submitters: Uncertain significance (3). Last evaluated 2023-06-28.

Conditions:
Developmental and epileptic encephalopathy, 42 (DEE42A). Also called: Epileptic encephalopathy, early infantile, 42; DEVELOPMENTAL AND EPILEPTIC ENCEPHALOPATHY 42A; EPILEPTIC ENCEPHALOPATHY, EARLY INFANTILE, 42A. Identifiers: MedGen C4310716, MONDO:0014917, OMIM 617106.
Episodic ataxia type 2 (EA2). Also called: ATAXIA, EPISODIC, WITH NYSTAGMUS; ATAXIA, FAMILIAL PAROXYSMAL; CEREBELLAR ATAXIA, PAROXYSMAL, ACETAZOLAMIDE-RESPONSIVE; CEREBELLOPATHY, HEREDITARY PAROXYSMAL; EPISODIC ATAXIA, NYSTAGMUS-ASSOCIATED; ACETAZOLAMIDE-RESPONSIVE HEREDITARY PAROXYSMAL CEREBELLAR ATAXIA. Identifiers: Orphanet 97, MedGen C1720416, MONDO:0007163, OMIM 108500.

gnomAD v4.1: 8 of 1,613,784 alleles (0.0005%); highest among the groups gnomAD compares: African/African-American, 0.0013%; no homozygotes.

Submissions (3):

GeneDx
Classification: Uncertain significance. Last evaluated: 2023-06-28. Review status: criteria provided, single submitter. Criteria: GeneDx Variant Classification Process June 2021. Collection method: clinical testing. Allele origin: germline. Affected: yes.
Comment: Not observed at significant frequency in large population cohorts (gnomAD); In silico analysis supports that this missense variant does not alter protein structure/function; Has not been previously published as pathogenic or benign to our knowledge

Labcorp Genetics (formerly Invitae), Labcorp
Classification: Uncertain significance for Developmental and epileptic encephalopathy, 42; Episodic ataxia type 2. Last evaluated: 2022-10-27. Review status: criteria provided, single submitter. Criteria: Invitae Variant Classification Sherloc (09022015). Collection method: clinical testing. Allele origin: germline.
Comment: Advanced modeling of protein sequence and biophysical properties (such as structural, functional, and spatial information, amino acid conservation, physicochemical variation, residue mobility, and thermodynamic stability) performed at Invitae indicates that this missense variant is not expected to disrupt CACNA1A protein function. ClinVar contains an entry for this variant (Variation ID: 1306516). This variant has not been reported in the literature in individuals affected with CACNA1A-related conditions. This variant is not present in population databases (gnomAD no frequency). This sequence change replaces arginine, which is basic and polar, with cysteine, which is neutral and slightly polar, at codon 1210 of the CACNA1A protein (p.Arg1210Cys). In summary, the available evidence is currently insufficient to determine the role of this variant in disease. Therefore, it has been classified as a Variant of Uncertain Significance.

Neuberg Centre For Genomic Medicine, NCGM
Classification: Uncertain significance for Developmental and epileptic encephalopathy, 42. Review status: criteria provided, single submitter. Criteria: ACMG Guidelines, 2015. Collection method: clinical testing. Allele origin: germline. Inheritance: Autosomal dominant inheritance. Affected: yes.
Comment: The missense variant c.3625C>T p.Arg1209Cys in the CACNA1A gene has not been reported previously as a pathogenic variant nor as a benign variant, to our knowledge. This variant is absent in the gnomAD Exomes. This variant has been reported to the ClinVar database as Uncertain Significance. However, no details are available for independent assessment. The amino acid Arg at position 1209 is changed to a Cys changing protein sequence and it might alter its composition and physico-chemical properties. Multiple lines of computational evidence Polyphen, SIFT and MutationTaster predict no damaging effect on protein structure and function for this variant. The amino acid change p.Arg1209Cys in CACNA1A is predicted as conserved by PhyloP across 100 vertebrates. For these reasons, this variant has been classified as Uncertain Significance.